The following is an entry in ClinVar:

NM_080680.3(COL11A2):c.2178C>T (p.Asp726=)

Gene: COL11A2 (collagen type XI alpha 2 chain; minus strand). Cytogenetic location: 6p21.32.
Variant type: single nucleotide variant.
Coding change: c.2178C>T on transcript NM_080680.3 (MANE Select); coding-DNA position 2178, C replaced by T.
Protein change: p.Asp726=; no amino-acid change (aspartic acid 726 retained).
Molecular consequence: synonymous variant.
Genome position (GRCh38, 1-based): chr6:33,176,295, G>A on the plus strand (C>T on the coding strand, the complement: COL11A2 is on the minus strand). VCF-style: chr6-33176295-G-A. GRCh37 (hg19) VCF-style: chr6-33144072-G-A.
Other names: c.1857C>T, p.Asp619= (NM_080679.3); c.1920C>T, p.Asp640= (NM_080681.3).
Identifiers: ClinVar variation 667100 (VCV000667100.13), dbSNP rs138650682, ClinGen allele CA3751012.

ClinVar aggregate classification (germline): Likely benign. Review status: criteria provided, multiple submitters, no conflicts (2 of 4 stars). 3 submissions from 3 submitters: Likely benign (3). Last evaluated 2025-11-18.

Allele frequency attached by ClinVar (database versions not stated): TOPMed 0.00004; gnomAD 0.00006; gnomAD exomes 0.00006 and 0.00009; ESP Exome Variant Server 0.00012; ExAC 0.00013.
gnomAD v4.1: 96 of 1,606,518 alleles (0.006%); highest among the groups gnomAD compares: Middle Eastern, 0.017%; no homozygotes.

Submissions (3):

Labcorp Genetics (formerly Invitae), Labcorp
Classification: Likely benign. Last evaluated: 2025-11-18. Review status: criteria provided, single submitter. Criteria: Invitae Variant Classification Sherloc (09022015). Collection method: clinical testing. Allele origin: germline.

Blueprint Genetics
Classification: Likely benign. Last evaluated: 2023-11-24. Review status: criteria provided, single submitter. Criteria: ACMG Guidelines, 2015. Collection method: clinical testing. Allele origin: germline.

Laboratory for Molecular Medicine, Mass General Brigham Personalized Medicine
Classification: Likely benign. Last evaluated: 2012-04-30. Review status: criteria provided, single submitter. Criteria: LMM Criteria. Collection method: clinical testing. Allele origin: germline. Observed: 1 variant allele.
Comment: Asp726Asp in Exon 28 of COL11A2: This variant is not expected to have clinical s ignificance because it does not alter an amino acid residue, is not located with in the splice consensus sequence, and has been identified in 1/4484 European Ame rican chromosomes from a broad population by the NHLBI Exome Sequencing Project (dbSNP rs138650682).